The following is an entry in ClinVar:

ClinVar aggregate classification (germline): Pathogenic (1 of 4 stars; one submission).

Submission:

Labcorp Genetics (formerly Invitae), Labcorp
Classification: Pathogenic. Last evaluated: 2025-02-16. Review status: criteria provided, single submitter. Criteria: Invitae Variant Classification Sherloc (09022015). Collection method: clinical testing. Allele origin: germline.
Comment: This sequence change creates a premature translational stop signal (p.Pro3076Alafs*4) in the KMT2A gene. It is expected to result in an absent or disrupted protein product. Loss-of-function variants in KMT2A are known to be pathogenic (PMID: 22795537, 25810209, 29574747). This variant is not present in population databases (gnomAD no frequency). This variant has not been reported in the literature in individuals affected with KMT2A-related conditions. For these reasons, this variant has been classified as Pathogenic.

Literature cited by the submitters: PubMed 22795537; PubMed 25810209; PubMed 29574747.

NM_001197104.2(KMT2A):c.9224dup (p.Pro3076fs)

Gene: KMT2A (lysine methyltransferase 2A; plus strand). Cytogenetic location: 11q23.3.
Variant type: Duplication.
Coding change: c.9224dup on transcript NM_001197104.2 (MANE Select); coding-DNA position 9224, one base duplicated (A; older notation c.9224dupA).
Protein change: p.Pro3076fs; shifts the reading frame from proline 3076.
Molecular consequence: frameshift variant.
Genome position (GRCh38, 1-based): chr11:118,505,116, A duplicated; the last of 2 consecutive A bases (chr11:118,505,115-118,505,116); duplicating either gives the same sequence. VCF-style (leftmost placement, unchanged base first): chr11-118505114-G-GA. GRCh37 (hg19) VCF-style: chr11-118375829-G-GA.
Other names: c.9314dup, p.Pro3106fs (NM_001412597.1); c.9215dup, p.Pro3073fs (NM_005933.4); short protein forms P3073fs, P3076fs, P3106fs.
Identifiers: ClinVar variation 4713208 (VCV004713208.1).